The following is an entry in ClinVar:

NM_145893.3(RBFOX1):c.55C>T (p.Pro19Ser)

Gene: RBFOX1 (RNA binding fox-1 homolog 1; plus strand). Cytogenetic location: 16p13.3.
Variant type: single nucleotide variant.
Coding change: c.55C>T on transcript NM_145893.3 (MANE Plus Clinical); coding-DNA position 55, C replaced by T.
Protein change: p.Pro19Ser; replaces proline 19 with serine.
Molecular consequence: missense variant. On other transcripts: intron variant (5).
Genome position (GRCh38, 1-based): chr16:7,333,056, C>T. VCF-style: chr16-7333056-C-T. GRCh37 (hg19) VCF-style: chr16-7383057-C-T.
Other names: c.55C>T, p.Pro19Ser (NM_145891.3, NM_145892.3); c.28-185091C>T (NM_001364800.2, NM_018723.4, NM_001142333.2 and 1 more transcripts); c.157-185091C>T (NM_001308117.1); short protein forms P19S.
Identifiers: ClinVar variation 842364 (VCV000842364.10), dbSNP rs773668882, ClinGen allele CA7891237.

ClinVar aggregate classification (germline): Uncertain significance (1 of 4 stars; one submission).

Conditions:
Idiopathic generalized epilepsy. Also called: Generalised epilepsy; EIG. Identifiers: MedGen C0270850, MONDO:0005579, OMIM 600669.

Allele frequency attached by ClinVar (database versions not stated): gnomAD exomes 0.00001; ExAC 0.00002.

Submission:

Labcorp Genetics (formerly Invitae), Labcorp
Classification: Uncertain significance for Idiopathic generalized epilepsy. Last evaluated: 2023-12-01. Review status: criteria provided, single submitter. Criteria: Invitae Variant Classification Sherloc (09022015). Collection method: clinical testing. Allele origin: germline.
Comment: This sequence change replaces proline, which is neutral and non-polar, with serine, which is neutral and polar, at codon 19 of the RBFOX1 protein (p.Pro19Ser). This variant is present in population databases (rs773668882, gnomAD 0.003%). This variant has not been reported in the literature in individuals affected with RBFOX1-related conditions. ClinVar contains an entry for this variant (Variation ID: 842364). An algorithm developed to predict the effect of missense changes on protein structure and function (PolyPhen-2) suggests that this variant is likely to be disruptive. In summary, the available evidence is currently insufficient to determine the role of this variant in disease. Therefore, it has been classified as a Variant of Uncertain Significance.